The following is an entry in ClinVar:

ClinVar aggregate classification (germline): Uncertain significance (1 of 4 stars; one submission).

Submission:

Ambry Genetics
Classification: Uncertain significance. Last evaluated: 2022-04-08. Review status: criteria provided, single submitter. Criteria: Ambry Variant Classification Scheme 2023. Collection method: clinical testing. Allele origin: germline.
Comment: The p.W666C variant (also known as c.1998G>T), located in coding exon 13 of the POLQ gene, results from a G to T substitution at nucleotide position 1998. The tryptophan at codon 666 is replaced by cysteine, an amino acid with highly dissimilar properties. This amino acid position is conserved. In addition, this alteration is predicted to be deleterious by in silico analysis. Since supporting evidence is limited at this time, the clinical significance of this alteration remains unclear.

NM_199420.4(POLQ):c.1998G>T (p.Trp666Cys)

Gene: POLQ (DNA polymerase theta; minus strand). Cytogenetic location: 3q13.33.
Variant type: single nucleotide variant.
Coding change: c.1998G>T on transcript NM_199420.4 (MANE Select); coding-DNA position 1998, G replaced by T.
Protein change: p.Trp666Cys; replaces tryptophan 666 with cysteine.
Molecular consequence: missense variant.
Genome position (GRCh38, 1-based): chr3:121,498,632, C>A on the plus strand (G>T on the coding strand, the complement: POLQ is on the minus strand). VCF-style: chr3-121498632-C-A. GRCh37 (hg19) VCF-style: chr3-121217479-C-A.
Other names: short protein forms W666C.
Identifiers: ClinVar variation 1784101 (VCV001784101.2), dbSNP rs1045968260, ClinGen allele CA354110911.